The following is an entry in ClinVar:

NM_003107.3(SOX4):c.185C>G (p.Pro62Arg)

Gene: SOX4 (SRY-box transcription factor 4; plus strand). Cytogenetic location: 6p22.3.
Variant type: single nucleotide variant.
Coding change: c.185C>G on transcript NM_003107.3 (MANE Select); coding-DNA position 185, C replaced by G.
Protein change: p.Pro62Arg; replaces proline 62 with arginine.
Molecular consequence: missense variant.
Genome position (GRCh38, 1-based): chr6:21,594,719, C>G. VCF-style: chr6-21594719-C-G. GRCh37 (hg19) VCF-style: chr6-21594950-C-G.
Other names: short protein forms P62R.
Identifiers: ClinVar variation 3774374 (VCV003774374.1).

ClinVar aggregate classification (germline): Likely pathogenic (1 of 4 stars; one submission).

Conditions:
Coffin-Siris syndrome 10. Also called: INTELLECTUAL DEVELOPMENTAL DISORDER WITH SPEECH DELAY AND DYSMORPHIC FACIES. Identifiers: MedGen C4760583, MONDO:0032791, OMIM 618506.

Submission:

Department of Pediatrics, Division of Medical Genetics, Faculty of Medicine Ramathibodi Hospital, Mahidol University
Classification: Likely pathogenic for Coffin-Siris syndrome 10. Last evaluated: 2025-03-10. Review status: criteria provided, single submitter. Criteria: ACMG Guidelines, 2015. Collection method: research. Allele origin: de novo. Inheritance: Autosomal dominant inheritance. Affected: yes. Observed: 1 heterozygote.
Comment: The variant is not observed in the gnomAD population databases. In silico tool predictions suggest damaging effect of the variant on gene or gene product (REVEL: 0.98>=0.6). A missense variant is located in a mutational hot spot and/or critical and well-established functional domain. Therefore, this variant is classified as Likely-pathogenic according to the recommendation of ACMG/AMP guideline.